The following is an entry in ClinVar:

ClinVar aggregate classification (germline): Uncertain significance (1 of 4 stars; one submission).

Conditions:
DNMT3A-related disorder. Also called: DNMT3A-related condition; DNMT3A-related disorders.

Submission:

PreventionGenetics, part of Exact Sciences
Classification: Uncertain significance for DNMT3A-related condition. Last evaluated: 2025-02-05. Review status: criteria provided, single submitter. Criteria: ACMG Guidelines, 2015. Collection method: clinical testing. Allele origin: germline.
Comment: The DNMT3A c.1645T>G variant is predicted to result in the amino acid substitution p.Cys549Gly. To our knowledge, this variant has not been reported in the literature or in a large population database (gnomAD), indicating this variant is rare. Other missense changes affecting this residue (p.Cys549Arg) and an adjacent position (p.Met548Lys and p.Met548Thr), have been reported de novo in individuals with Tatton-Brown-Rahman syndrome (Tatton-Brown et al. 2014. PubMed ID: 24614070; Tatton-Brown et al. 2018. PubMed ID: 29900417). At this time, the clinical significance of this variant is uncertain due to the absence of conclusive functional and genetic evidence.

NM_022552.5(DNMT3A):c.1645T>G (p.Cys549Gly)

Gene: DNMT3A (DNA methyltransferase 3 alpha; minus strand). Cytogenetic location: 2p23.3.
Variant type: single nucleotide variant.
Coding change: c.1645T>G on transcript NM_022552.5 (MANE Select); coding-DNA position 1645, T replaced by G.
Protein change: p.Cys549Gly; replaces cysteine 549 with glycine.
Molecular consequence: missense variant. On other transcripts: non-coding transcript variant (1).
Genome position (GRCh38, 1-based): chr2:25,244,562, A>C on the plus strand (T>G on the coding strand, the complement: DNMT3A is on the minus strand). VCF-style: chr2-25244562-A-C. GRCh37 (hg19) VCF-style: chr2-25467431-A-C.
Other names: c.1189T>G, p.Cys397Gly (NM_001320893.1); c.976T>G, p.Cys326Gly (NM_001375819.1); c.1078T>G, p.Cys360Gly (NM_153759.3); c.1645T>G, p.Cys549Gly (NM_175629.2); short protein forms C360G, C549G, C326G, C397G.
Identifiers: ClinVar variation 4999732 (VCV004999732.1).